The following is an entry in ClinVar:

ClinVar aggregate classification (germline): Uncertain significance (1 of 4 stars; one submission).

Allele frequency attached by ClinVar (database versions not stated): gnomAD exomes 0.00001; ExAC 0.00002; gnomAD 0.00003; TOPMed 0.00006.

Submission:

GeneDx
Classification: Uncertain significance. Last evaluated: 2022-12-02. Review status: criteria provided, single submitter. Criteria: GeneDx Variant Classification Process June 2021. Collection method: clinical testing. Allele origin: germline. Affected: yes.
Comment: In silico analysis supports that this missense variant has a deleterious effect on protein structure/function; Has not been previously published as pathogenic or benign to our knowledge

NM_016239.4(MYO15A):c.4360G>T (p.Asp1454Tyr)

Gene: MYO15A (myosin XVA; plus strand). Cytogenetic location: 17p11.2.
Variant type: single nucleotide variant.
Coding change: c.4360G>T on transcript NM_016239.4 (MANE Select); coding-DNA position 4360, G replaced by T.
Protein change: p.Asp1454Tyr; replaces aspartic acid 1454 with tyrosine.
Molecular consequence: missense variant.
Genome position (GRCh38, 1-based): chr17:18,133,264, G>T. VCF-style: chr17-18133264-G-T. GRCh37 (hg19) VCF-style: chr17-18036578-G-T.
Other names: short protein forms D1454Y.
Identifiers: ClinVar variation 2504182 (VCV002504182.1), dbSNP rs746313201, ClinGen allele CA8423865.